The following is an entry in ClinVar:

NM_001561.6(TNFRSF9):c.21C>A (p.Asn7Lys)

Gene: TNFRSF9 (TNF receptor superfamily member 9; minus strand). Cytogenetic location: 1p36.23.
Variant type: single nucleotide variant.
Coding change: c.21C>A on transcript NM_001561.6 (MANE Select); coding-DNA position 21, C replaced by A.
Protein change: p.Asn7Lys; replaces asparagine 7 with lysine.
Molecular consequence: missense variant.
Genome position (GRCh38, 1-based): chr1:7,939,974, G>T on the plus strand (C>A on the coding strand, the complement: TNFRSF9 is on the minus strand). VCF-style: chr1-7939974-G-T. GRCh37 (hg19) VCF-style: chr1-8000034-G-T.
Other names: short protein forms N7K.
Identifiers: ClinVar variation 1374207 (VCV001374207.8), dbSNP rs1252718070, ClinGen allele CA338161387.

ClinVar aggregate classification (germline): Uncertain significance (1 of 4 stars; one submission).

Allele frequency attached by ClinVar (database versions not stated): gnomAD exomes 0.00001.
gnomAD v4.1: 12 of 1,598,500 alleles (0.00075%); highest among the groups gnomAD compares: Non-Finnish European, 0.001%; no homozygotes.

Submission:

Labcorp Genetics (formerly Invitae), Labcorp
Classification: Uncertain significance. Last evaluated: 2025-08-12. Review status: criteria provided, single submitter. Criteria: Invitae Variant Classification Sherloc (09022015). Collection method: clinical testing. Allele origin: germline.
Comment: This sequence change replaces asparagine, which is neutral and polar, with lysine, which is basic and polar, at codon 7 of the TNFRSF9 protein (p.Asn7Lys). This variant is present in population databases (no rsID available, gnomAD 0.002%). This variant has not been reported in the literature in individuals affected with TNFRSF9-related conditions. ClinVar contains an entry for this variant (Variation ID: 1374207). An algorithm developed to predict the effect of missense changes on protein structure and function (PolyPhen-2) suggests that this variant is likely to be tolerated. In summary, the available evidence is currently insufficient to determine the role of this variant in disease. Therefore, it has been classified as a Variant of Uncertain Significance.